The following is an entry in ClinVar:

NM_001042413.2(GLIS3):c.1085C>A (p.Pro362Gln)

Gene: GLIS3 (GLIS family zinc finger 3; minus strand). Cytogenetic location: 9p24.2.
Variant type: single nucleotide variant.
Coding change: c.1085C>A on transcript NM_001042413.2 (MANE Select); coding-DNA position 1085, C replaced by A.
Protein change: p.Pro362Gln; replaces proline 362 with glutamine.
Molecular consequence: missense variant.
Genome position (GRCh38, 1-based): chr9:4,118,393, G>T on the plus strand (C>A on the coding strand, the complement: GLIS3 is on the minus strand). VCF-style: chr9-4118393-G-T. GRCh37 (hg19) VCF-style: chr9-4118393-G-T.
Other names: c.620C>A, p.Pro207Gln (NM_152629.4); short protein forms P362Q, P207Q.
Identifiers: ClinVar variation 393417 (VCV000393417.20), dbSNP rs146131512, ClinGen allele CA4968312.
Genomic context (GRCh38, chr9:4,118,393, plus strand): 5'-GGCAGCGCCAGGCCTCCAGGGGCCACCAGCACGCCCTTCTGGCTGCCGGGCACCGGGCGC[G>T]GCTGGGGAATGCAGCTGCCGCGCACGCCCAGGAAATGCCCGTAGACCTCCGGCTGCGGGG-3'
Protein context (NP_001035878.1, residues 352-372): LGVRGSCIPQ[Pro362Gln]RPVPGSQKGV

ClinVar aggregate classification (germline): Conflicting classifications of pathogenicity. Review status: criteria provided, conflicting classifications (1 of 4 stars). 7 submissions from 7 submitters: Uncertain risk allele (1); Benign (3); Likely benign (3). Last evaluated 2026-01-19.

Conditions:
Monogenic diabetes. Identifiers: Orphanet 183625, MedGen C3888631, MONDO:0015967.
GLIS3-related disorder. Also called: GLIS3-related condition.
Transitory neonatal diabetes mellitus. Also called: Transient neonatal diabetes mellitus. Identifiers: MedGen C0342273, MONDO:0020525, HP:0008255.
Neonatal diabetes mellitus with congenital hypothyroidism. Also called: NDH SYNDROME. Identifiers: Orphanet 79118, MedGen C1857775, MONDO:0012436, OMIM 610199.

Allele frequency attached by ClinVar (database versions not stated): ExAC 0.00137; 1000 Genomes Project 30x 0.00203; 1000 Genomes Project 0.00220; ESP Exome Variant Server 0.00246; TOPMed 0.00386.
gnomAD v4.1: 1,035 of 1,603,744 alleles (0.065%); highest among the groups gnomAD compares: African/African-American, 1.2%; 12 homozygotes.

Submissions (7):

Labcorp Genetics (formerly Invitae), Labcorp
Classification: Benign. Last evaluated: 2026-01-19. Review status: criteria provided, single submitter. Criteria: Invitae Variant Classification Sherloc (09022015). Collection method: clinical testing. Allele origin: germline.

PreventionGenetics, part of Exact Sciences
Classification: Benign for GLIS3-related condition. Last evaluated: 2025-12-02. Review status: criteria provided, single submitter. Criteria: ACMG Guidelines, 2015. Collection method: clinical testing. Allele origin: germline.
Comment: This variant is classified as benign based on ACMG/AMP sequence variant interpretation guidelines (Richards et al. 2015 PMID: 25741868, with internal and published modifications).

GeneDx
Classification: Likely benign. Last evaluated: 2021-03-06. Review status: criteria provided, single submitter. Criteria: GeneDx Variant Classification Process June 2021. Collection method: clinical testing. Allele origin: germline. Affected: yes.

Personalized Diabetes Medicine Program, University of Maryland School of Medicine
Classification: Likely benign for Monogenic diabetes. Last evaluated: 2018-02-27. Review status: criteria provided, single submitter. Criteria: ACMG Guidelines, 2015. Collection method: research. Allele origin: unknown. Observed: 4 variant alleles, 4 heterozygotes.
Comment: ACMG criteria: PP3 (2 predictors), BP4 (8 predictors), BP5 (found in case with other cause), BS1 (2.11% in ExAC African pop. and 1 hom in ExAC), Note: 9 het, 1 hom in TODAY (1% MAF)=likely benign

Illumina Laboratory Services, Illumina
Classification: Benign for Neonatal diabetes mellitus with congenital hypothyroidism. Last evaluated: 2018-01-13. Review status: criteria provided, single submitter. Criteria: ICSL Variant Classification Criteria 13 December 2019. Collection method: clinical testing. Allele origin: germline.
Comment: This variant was observed in the ICSL laboratory as part of a predisposition screen in an ostensibly healthy population. It had not been previously curated by ICSL or reported in the Human Gene Mutation Database (HGMD: prior to June 1st, 2018), and was therefore a candidate for classification through an automated scoring system. Utilizing variant allele frequency, disease prevalence and penetrance estimates, and inheritance mode, an automated score was calculated to assess if this variant is too frequent to cause the disease. Based on the score and internal cut-off values, a variant classified as benign is not then subjected to further curation. The score for this variant resulted in a classification of benign for this disease.

Breakthrough Genomics
Classification: Likely benign. Review status: criteria provided, single submitter. Criteria: ACMG Guidelines, 2015. Collection method: not provided. Allele origin: germline. Inheritance: Autosomal recessive inheritance. Affected: yes.

Clinical Genomics, Uppaluri K&H Personalized Medicine Clinic
Classification: Uncertain risk allele for Transitory neonatal diabetes mellitus. Review status: criteria provided, single submitter. Criteria: K & H Uppaluri Personalized Medicine Clinic Variant Classification & Assertion Criteria_Updated V.1. Collection method: research. Allele origin: unknown.
Comment: Potent mutations in GLIS3 predisposes to neonatal diabetes mellitus with an extra pancreatic manifestation of hypothyroidism. It also predisposes to early onset diabetes in adults.However no sufficient evidence is found to ascertain the role of this particular variant rs146131512, yet.

Literature cited by the submitters: PubMed 32693112 (cited by Clinical Genomics, Uppaluri K&H Personalized Medicine Clinic); PubMed 27899417 (cited by Clinical Genomics, Uppaluri K&H Personalized Medicine Clinic); PubMed 29992946 (cited by Clinical Genomics, Uppaluri K&H Personalized Medicine Clinic); PubMed 35394098 (cited by Clinical Genomics, Uppaluri K&H Personalized Medicine Clinic); PubMed 29146476 (cited by Clinical Genomics, Uppaluri K&H Personalized Medicine Clinic).